The following is an entry in ClinVar:

NM_152743.4(BRAT1):c.1498+5C>G

Gene: BRAT1 (BRCA1 associated ATM activator 1; minus strand). Cytogenetic location: 7p22.3.
Variant type: single nucleotide variant.
Coding change: c.1498+5C>G on transcript NM_152743.4 (MANE Select); 5 bases into the intron after coding-DNA position 1498, C replaced by G.
Molecular consequence: intron variant.
Genome position (GRCh38, 1-based): chr7:2,539,781, G>C on the plus strand (C>G on the coding strand, the complement: BRAT1 is on the minus strand). VCF-style: chr7-2539781-G-C. GRCh37 (hg19) VCF-style: chr7-2579415-G-C.
Other names: c.973+5C>G (NM_001350627.2); c.1498+5C>G (NM_001350626.2).
Identifiers: ClinVar variation 851523 (VCV000851523.5), dbSNP rs746669517, ClinGen allele CA4127726.
Genomic context (GRCh38, chr7:2,539,781, plus strand): 5'-CCAGCCCCTGCTGCCTCCACCCCTGCGACTCCAGCTCCGTTCACCCCTGCAAGGGGCTGC[G>C]TTACCTCTGAGGAACTGCGGGATGAGGGGGCCGAGATCAGAGCAGCCGGGGGTCTTGGGT-3'

ClinVar aggregate classification (germline): Uncertain significance (1 of 4 stars; one submission).

Conditions:
Neonatal-onset encephalopathy with rigidity and seizures. Also called: Lethal neonatal spasticity-epileptic encephalopathy syndrome. Identifiers: Orphanet 435845, MedGen C3281029, MONDO:0013784, OMIM 614498.

Allele frequency attached by ClinVar (database versions not stated): gnomAD 0.00001; TOPMed 0.00001.
gnomAD v4.1: 36 of 1,609,302 alleles (0.0022%); highest among the groups gnomAD compares: South Asian, 0.031%; no homozygotes.

Submission:

Labcorp Genetics (formerly Invitae), Labcorp
Classification: Uncertain significance for Neonatal-onset encephalopathy with rigidity and seizures. Last evaluated: 2022-08-16. Review status: criteria provided, single submitter. Criteria: Invitae Variant Classification Sherloc (09022015). Collection method: clinical testing. Allele origin: germline.
Comment: This sequence change falls in intron 11 of the BRAT1 gene. It does not directly change the encoded amino acid sequence of the BRAT1 protein. It affects a nucleotide within the consensus splice site. This variant is present in population databases (rs746669517, gnomAD 0.03%). This variant has not been reported in the literature in individuals affected with BRAT1-related conditions. ClinVar contains an entry for this variant (Variation ID: 851523). Variants that disrupt the consensus splice site are a relatively common cause of aberrant splicing (PMID: 17576681, 9536098). Algorithms developed to predict the effect of sequence changes on RNA splicing suggest that this variant is not likely to affect RNA splicing. In summary, the available evidence is currently insufficient to determine the role of this variant in disease. Therefore, it has been classified as a Variant of Uncertain Significance.

Literature cited by the submitters: PubMed 17576681; PubMed 9536098.